The following is an entry in ClinVar:

NM_001165963.4(SCN1A):c.3785_3797del (p.Ile1262fs)

Genes: SCN1A (sodium voltage-gated channel alpha subunit 1; minus strand), LOC102724058 (uncharacterized LOC102724058; plus strand). Cytogenetic location: 2q24.3.
Variant type: Deletion.
Coding change: c.3785_3797del on transcript NM_001165963.4 (MANE Select); coding-DNA positions 3785 to 3797, 13 bases deleted (TTTTCATTCTGGA).
Protein change: p.Ile1262fs; shifts the reading frame from isoleucine 1262.
Molecular consequence: frameshift variant. On other transcripts: non-coding transcript variant (1).
Genome position (GRCh38, 1-based): chr2:166,012,191-166,012,203, TCCAGAATGAAAA deleted on the plus strand (TTTTCATTCTGGA on the coding strand, the reverse complement: SCN1A is on the minus strand); deleting any 13 consecutive bases within chr2:166,012,191-166,012,204 gives the same sequence; the c. name uses the placement nearest the transcript's 3' end. VCF-style (leftmost placement, unchanged base first): chr2-166012190-TTCCAGAATGAAAA-T. GRCh37 (hg19) VCF-style: chr2-166868700-TTCCAGAATGAAAA-T.
Other names: c.3701_3713del, p.Ile1234fs (NM_001165964.3, NM_001353957.2, NM_001353958.2); c.3785_3797del, p.Ile1262fs (NM_001202435.3, NM_001353948.2); c.3752_3764del, p.Ile1251fs (NM_001353949.2, NM_001353950.2, NM_001353951.2 and 2 more transcripts); c.3749_3761del, p.Ile1250fs (NM_001353954.2, NM_001353955.2); c.3698_3710del, p.Ile1233fs (NM_001353960.2); c.1343_1355del, p.Ile448fs (NM_001353961.2); short protein forms I1233fs, I1234fs, I1250fs, I1251fs, I1262fs, I448fs.
Identifiers: ClinVar variation 659179 (VCV000659179.7), dbSNP rs1574051665, ClinGen allele CA915942880.
Genomic context (GRCh38, chr2:166,012,190, plus strand): 5'-CCAACACCAGGCATTGGTGAAATATGTTTGATAGCCATATGCCACCCATTTTAGAAGCAT[TTCCAGAATGAAAA>T]TGTAAGTGAAAACCTTGTCAGCATATTCCAACATCGTCTTAATCGTCTTTCGCTGATCAA-3'

ClinVar aggregate classification (germline): Pathogenic (1 of 4 stars; one submission).

Conditions:
Early-infantile DEE. Also called: Early infantile epileptic encephalopathy; Ohtahara syndrome; Early infantile epileptic encephalopathy with suppression bursts. Identifiers: Orphanet 1934, MedGen C0393706, MONDO:0800491.

Submission:

Labcorp Genetics (formerly Invitae), Labcorp
Classification: Pathogenic for Early-infantile DEE. Last evaluated: 2018-09-20. Review status: criteria provided, single submitter. Criteria: Invitae Variant Classification Sherloc (09022015). Collection method: clinical testing. Allele origin: germline.
Comment: This sequence change creates a premature translational stop signal (p.Ile1262Lysfs*4) in the SCN1A gene. It is expected to result in an absent or disrupted protein product. This variant is not present in population databases (ExAC no frequency). For these reasons, this variant has been classified as Pathogenic. Loss-of-function variants in SCN1A are known to be pathogenic (PMID: 17347258, 18930999). This variant has not been reported in the literature in individuals with SCN1A-related disease.

Literature cited by the submitters: PubMed 17347258; PubMed 18930999.